The following is an entry in ClinVar:

ClinVar aggregate classification (germline): Uncertain significance (1 of 4 stars; one submission).

Submission:

GeneDx
Classification: Uncertain significance. Last evaluated: 2024-03-07. Review status: criteria provided, single submitter. Criteria: GeneDx Variant Classification Process June 2021. Collection method: clinical testing. Allele origin: germline. Affected: yes.
Comment: Not observed at significant frequency in large population cohorts (gnomAD); In silico analysis supports that this missense variant does not alter protein structure/function; Has not been previously published as pathogenic or benign to our knowledge

NM_001387430.1(SH2B1):c.650G>T (p.Gly217Val)

Gene: SH2B1 (SH2B adaptor protein 1; plus strand). Cytogenetic location: 16p11.2.
Variant type: single nucleotide variant.
Coding change: c.650G>T on transcript NM_001387430.1 (MANE Select); coding-DNA position 650, G replaced by T.
Protein change: p.Gly217Val; replaces glycine 217 with valine.
Molecular consequence: missense variant. On other transcripts: intron variant (1).
Genome position (GRCh38, 1-based): chr16:28,866,744, G>T. VCF-style: chr16-28866744-G-T. GRCh37 (hg19) VCF-style: chr16-28878065-G-T.
Other names: c.650G>T, p.Gly217Val (NM_001145795.2, NM_001145796.2, NM_001145797.2 and 4 more transcripts); c.-26-630G>T (NM_001308294.2); short protein forms G217V.
Identifiers: ClinVar variation 3370573 (VCV003370573.1).